The following is an entry in ClinVar:

ClinVar aggregate classification (germline): Uncertain significance. Review status: criteria provided, multiple submitters, no conflicts (2 of 4 stars). 2 submissions from 2 submitters: Uncertain significance (2). Last evaluated 2023-10-05.

Conditions:
Nemaline myopathy 10 (NEM10). Identifiers: MedGen C4015360, MONDO:0014513, OMIM 616165.
Inborn genetic diseases. Identifiers: MedGen C0950123, MeSH D030342.

Allele frequency attached by ClinVar (database versions not stated): gnomAD 0.00001; TOPMed 0.00001; ExAC 0.00003; gnomAD exomes 0.00003; 1000 Genomes Project 0.00040; 1000 Genomes Project 30x 0.00062.
gnomAD v4.1: 24 of 1,612,670 alleles (0.0015%); highest among the groups gnomAD compares: Middle Eastern, 0.05%; no homozygotes.

Submissions (2):

Labcorp Genetics (formerly Invitae), Labcorp
Classification: Uncertain significance for Nemaline myopathy 10. Last evaluated: 2023-10-05. Review status: criteria provided, single submitter. Criteria: Invitae Variant Classification Sherloc (09022015). Collection method: clinical testing. Allele origin: germline.
Comment: This sequence change replaces arginine, which is basic and polar, with histidine, which is basic and polar, at codon 543 of the LMOD3 protein (p.Arg543His). This variant is present in population databases (rs199655993, gnomAD 0.01%). This variant has not been reported in the literature in individuals affected with LMOD3-related conditions. ClinVar contains an entry for this variant (Variation ID: 1472817). An algorithm developed to predict the effect of missense changes on protein structure and function (PolyPhen-2) suggests that this variant is likely to be disruptive. In summary, the available evidence is currently insufficient to determine the role of this variant in disease. Therefore, it has been classified as a Variant of Uncertain Significance.

Ambry Genetics
Classification: Uncertain significance for Inborn genetic diseases. Last evaluated: 2022-07-12. Review status: criteria provided, single submitter. Criteria: Ambry Variant Classification Scheme 2023. Collection method: clinical testing. Allele origin: germline.

NM_198271.5(LMOD3):c.1628G>A (p.Arg543His)

Gene: LMOD3 (leiomodin 3; minus strand). Cytogenetic location: 3p14.1.
Variant type: single nucleotide variant.
Coding change: c.1628G>A on transcript NM_198271.5 (MANE Select); coding-DNA position 1628, G replaced by A.
Protein change: p.Arg543His; replaces arginine 543 with histidine.
Molecular consequence: missense variant.
Genome position (GRCh38, 1-based): chr3:69,118,727, C>T on the plus strand (G>A on the coding strand, the complement: LMOD3 is on the minus strand). VCF-style: chr3-69118727-C-T. GRCh37 (hg19) VCF-style: chr3-69167878-C-T.
Other names: c.1628G>A, p.Arg543His (NM_001304418.3); c.1628G>A (NM_198271.3); short protein forms R543H.
Identifiers: ClinVar variation 1472817 (VCV001472817.6), dbSNP rs199655993, ClinGen allele CA2488716.